The following is an entry in ClinVar:

NM_022051.3(EGLN1):c.197G>C (p.Gly66Ala)

Gene: EGLN1 (egl-9 family hypoxia inducible factor 1; minus strand). Cytogenetic location: 1q42.2.
Variant type: single nucleotide variant.
Coding change: c.197G>C on transcript NM_022051.3 (MANE Select); coding-DNA position 197, G replaced by C.
Protein change: p.Gly66Ala; replaces glycine 66 with alanine.
Molecular consequence: missense variant.
Genome position (GRCh38, 1-based): chr1:231,421,692, C>G on the plus strand (G>C on the coding strand, the complement: EGLN1 is on the minus strand). VCF-style: chr1-231421692-C-G. GRCh37 (hg19) VCF-style: chr1-231557438-C-G.
Other names: c.197G>C, p.Gly66Ala (NM_001377260.1, NM_001377261.1); short protein forms G66A.
Identifiers: ClinVar variation 1783785 (VCV001783785.2), dbSNP rs2527361366, ClinGen allele CA345238658.

ClinVar aggregate classification (germline): Uncertain significance (1 of 4 stars; one submission).

Submission:

Ambry Genetics
Classification: Uncertain significance. Last evaluated: 2021-11-23. Review status: criteria provided, single submitter. Criteria: Ambry Variant Classification Scheme 2023. Collection method: clinical testing. Allele origin: germline.
Comment: The p.G66A variant (also known as c.197G>C), located in coding exon 1 of the EGLN1 gene, results from a G to C substitution at nucleotide position 197. The glycine at codon 66 is replaced by alanine, an amino acid with similar properties. This amino acid position is conserved. In addition, this alteration is predicted to be tolerated by in silico analysis. Since supporting evidence is limited at this time, the clinical significance of this alteration remains unclear.